The following is an entry in ClinVar:

NM_006493.4(CLN5):c.37A>G (p.Met13Val)

Genes: CLN5 (CLN5 lysosomal BMP synthase; plus strand), LOC130009913 (ATAC-STARR-seq lymphoblastoid silent region 5414; plus strand). Cytogenetic location: 13q22.3.
Variant type: single nucleotide variant.
Coding change: c.37A>G on transcript NM_006493.4 (MANE Select); coding-DNA position 37, A replaced by G.
Protein change: p.Met13Val; replaces methionine 13 with valine.
Molecular consequence: missense variant.
Genome position (GRCh38, 1-based): chr13:76,992,135, A>G. VCF-style: chr13-76992135-A-G. GRCh37 (hg19) VCF-style: chr13-77566270-A-G.
Other names: c.37A>G, p.Met13Val (NM_001366624.2); short protein forms M13V, M62V.
Identifiers: ClinVar variation 1931707 (VCV001931707.2), dbSNP rs2034187072, ClinGen allele CA388306341.

ClinVar aggregate classification (germline): Uncertain significance (1 of 4 stars; one submission).

Conditions:
Neuronal ceroid lipofuscinosis. Also called: Neuronal Ceroid Lipofuscinoses. Identifiers: Orphanet 216, Orphanet 79263, MedGen C0027877, MONDO:0016295. Disease mechanism: loss of function.

Allele frequency attached by ClinVar (database versions not stated): gnomAD 0.00001; TOPMed 0.00001.

Submission:

Labcorp Genetics (formerly Invitae), Labcorp
Classification: Uncertain significance for Neuronal ceroid lipofuscinosis. Last evaluated: 2022-08-13. Review status: criteria provided, single submitter. Criteria: Invitae Variant Classification Sherloc (09022015). Collection method: clinical testing. Allele origin: germline.
Comment: This sequence change replaces methionine, which is neutral and non-polar, with valine, which is neutral and non-polar, at codon 62 of the CLN5 protein (p.Met62Val). This variant is not present in population databases (gnomAD no frequency). This variant has not been reported in the literature in individuals affected with CLN5-related conditions. Algorithms developed to predict the effect of missense changes on protein structure and function output the following: SIFT: "Tolerated"; PolyPhen-2: "Benign"; Align-GVGD: "Class C0". The valine amino acid residue is found in multiple mammalian species, which suggests that this missense change does not adversely affect protein function. Algorithms developed to predict the effect of sequence changes on RNA splicing suggest that this variant may create or strengthen a splice site. In summary, the available evidence is currently insufficient to determine the role of this variant in disease. Therefore, it has been classified as a Variant of Uncertain Significance.